The following is an entry in ClinVar:

ClinVar aggregate classification (germline): Benign (0 of 4 stars; one submission).

Conditions:
TRIM54-related disorder. Also called: TRIM54-related condition.

Allele frequency attached by ClinVar (database versions not stated): gnomAD exomes 0.28299; ExAC 0.41236; gnomAD 0.42522; ESP Exome Variant Server 0.43593; TOPMed 0.45695; 1000 Genomes Project 0.46246; 1000 Genomes Project 30x 0.47626.
gnomAD v4.1: 470,822 of 1,581,634 alleles (30%); highest among the groups gnomAD compares: African/African-American, 81%; 83,833 homozygotes.

Submission:

PreventionGenetics, part of Exact Sciences
Classification: Benign for TRIM54-related condition. Last evaluated: 2019-10-17. Review status: no assertion criteria provided. Collection method: clinical testing. Allele origin: germline.
Comment: This variant is classified as benign based on ACMG/AMP sequence variant interpretation guidelines (Richards et al. 2015 PMID: 25741868, with internal and published modifications).

NM_187841.3(TRIM54):c.843+7T>C

Gene: TRIM54 (tripartite motif containing 54; plus strand). Cytogenetic location: 2p23.3.
Variant type: single nucleotide variant.
Coding change: c.843+7T>C on transcript NM_187841.3 (MANE Select); 7 bases into the intron after coding-DNA position 843, T replaced by C.
Molecular consequence: intron variant.
Genome position (GRCh38, 1-based): chr2:27,305,824, T>C. VCF-style: chr2-27305824-T-C. GRCh37 (hg19) VCF-style: chr2-27528692-T-C.
Other names: c.969+7T>C (NM_032546.4).
Identifiers: ClinVar variation 3059814 (VCV003059814.2), dbSNP rs4665963, ClinGen allele CA1575244.